The following is an entry in ClinVar:

ClinVar aggregate classification (germline): Uncertain significance (1 of 4 stars; one submission).

gnomAD v4.1: 4 of 517,072 alleles (0.00077%); highest among the groups gnomAD compares: Non-Finnish European, 0.0013%; no homozygotes.

Submission:

Greenwood Genetic Center Diagnostic Laboratories, Greenwood Genetic Center
Classification: Uncertain significance. Last evaluated: 2025-10-20. Review status: criteria provided, single submitter. Criteria: ACMG Guidelines, 2015. Collection method: clinical testing. Allele origin: germline. Affected: yes.
Comment: PM2, BP4

NM_032119.4(ADGRV1):c.9623+142A>G

Gene: ADGRV1 (adhesion G protein-coupled receptor V1; plus strand). Cytogenetic location: 5q14.3.
Variant type: single nucleotide variant.
Coding change: c.9623+142A>G on transcript NM_032119.4 (MANE Select); 142 bases into the intron after coding-DNA position 9623, A replaced by G.
Molecular consequence: intron variant.
Genome position (GRCh38, 1-based): chr5:90,720,365, A>G. VCF-style: chr5-90720365-A-G. GRCh37 (hg19) VCF-style: chr5-90016182-A-G.
Identifiers: ClinVar variation 4845586 (VCV004845586.1).